The following is an entry in ClinVar:

ClinVar aggregate classification (germline): Likely pathogenic (1 of 4 stars; one submission).

Conditions:
WDR35-related disorder. Also called: WDR35-related condition; WDR35-related disorders. Identifiers: MedGen CN239419.

gnomAD v4.1: 2 of 1,611,788 alleles (0.00012%); highest among the groups gnomAD compares: Non-Finnish European, 0.00017%; no homozygotes.

Submission:

Women's Health and Genetics/Laboratory Corporation of America, LabCorp
Classification: Likely pathogenic for WDR35-related disorder. Last evaluated: 2026-05-29. Review status: criteria provided, single submitter. Criteria: LabCorp Variant Classification Summary - May 2015. Collection method: clinical testing. Allele origin: germline.
Comment: Variant summary: WDR35 c.2691+2T>C is located in a canonical splice-site and is predicted to affect mRNA splicing resulting in a significantly altered protein due to either exon skipping, shortening, or inclusion of intronic material. Variants that disrupt the consensus splice site are a relatively common cause of aberrant splicing and loss of WDR35 function. Several computational tools predict a significant impact on normal splicing: Four predict the variant abolishes a 5' splicing donor site. However, these predictions have yet to be confirmed by functional studies. The variant was absent in 251154 control chromosomes (gnomAD). To our knowledge, no occurrence of c.2691+2T>C in individuals affected with WDR35-related conditions and no experimental evidence demonstrating its impact on protein function have been reported. No submitters have cited clinical-significance assessments for this variant to ClinVar. Based on the evidence outlined above, the variant was classified as likely pathogenic.

NM_020779.4(WDR35):c.2658+2T>C

Gene: WDR35 (WD repeat domain 35; minus strand). Cytogenetic location: 2p24.1.
Variant type: single nucleotide variant.
Coding change: c.2658+2T>C on transcript NM_020779.4 (MANE Select); the canonical splice donor site of the intron after coding-DNA position 2658, T replaced by C.
Molecular consequence: splice donor variant.
Genome position (GRCh38, 1-based): chr2:19,933,399, A>G on the plus strand (T>C on the coding strand, the complement: WDR35 is on the minus strand). VCF-style: chr2-19933399-A-G. GRCh37 (hg19) VCF-style: chr2-20133160-A-G.
Other names: c.2691+2T>C (NM_001006657.2).
Identifiers: ClinVar variation 4853017 (VCV004853017.1).
Genomic context (GRCh38, chr2:19,933,399, plus strand): 5'-TTGCTTTGACTTAAAAATTCCTAAGACAATAAGCTGCACAGACAGAAAGTTTCAGTTCCT[A>G]CTTGGTTGAGATGTACGCAGGTATCTACTGCTGCCTTTGGTTGACTACATTTCAAAAATG-3'